The following is an entry in ClinVar:

ClinVar aggregate classification (germline): Uncertain significance (1 of 4 stars; one submission).

Conditions:
Holoprosencephaly 3 (HPE3). Identifiers: Orphanet 2162, MedGen C1840529, MONDO:0007733, OMIM 142945.

Submission:

Labcorp Genetics (formerly Invitae), Labcorp
Classification: Uncertain significance for Holoprosencephaly 3. Last evaluated: 2025-04-14. Review status: criteria provided, single submitter. Criteria: Invitae Variant Classification Sherloc (09022015). Collection method: clinical testing. Allele origin: germline.
Comment: This variant occurs in a non-coding region of the SHH gene. It does not change the encoded amino acid sequence of the SHH protein. This variant is not present in population databases (gnomAD no frequency). This variant has not been reported in the literature in individuals affected with SHH-related conditions. Experimental studies and prediction algorithms are not available or were not evaluated, and the functional significance of this variant is currently unknown. In summary, the available evidence is currently insufficient to determine the role of this variant in disease. Therefore, it has been classified as a Variant of Uncertain Significance.

NC_000007.14:g.156795949AG[1]

Genes: LMBR1 (limb development membrane protein 1; minus strand), SHH (sonic hedgehog signaling molecule; minus strand). Cytogenetic location: 7q36.3.
Variant type: Microsatellite.
Molecular consequence: intron variant (on NM_022458.4).
Genome position: GRCh38 VCF-style: chr7-156795948-CAG-C. GRCh37 (hg19) VCF-style: chr7-156588642-CAG-C.
Other names: c.360+439_360+440del (NM_001363412.2); c.144+439_144+440del (NM_001350954.2); c.423+439_423+440del (NM_001363410.2, NM_022458.4, NM_001363409.2 and 1 more transcripts); c.-112+439_-112+440del (NM_001350958.2, NM_001350956.2, NM_001350955.2 and 1 more transcripts); c.54+439_54+440del (NM_001350957.2, NM_001363411.2).
Identifiers: ClinVar variation 3679228 (VCV003679228.2).